The following is an entry in ClinVar:

NM_001082486.2(ACD):c.191C>T (p.Thr64Ile)

Gene: ACD (ACD shelterin complex subunit and telomerase recruitment factor; minus strand). Cytogenetic location: 16q22.1.
Variant type: single nucleotide variant.
Coding change: c.191C>T on transcript NM_001082486.2 (MANE Select); coding-DNA position 191, C replaced by T.
Protein change: p.Thr64Ile; replaces threonine 64 with isoleucine.
Molecular consequence: missense variant.
Genome position (GRCh38, 1-based): chr16:67,659,954, G>A on the plus strand (C>T on the coding strand, the complement: ACD is on the minus strand). VCF-style: chr16-67659954-G-A. GRCh37 (hg19) VCF-style: chr16-67693857-G-A.
Other names: c.191C>T, p.Thr64Ile (NM_001410884.1); c.182C>T, p.Thr61Ile (NM_022914.3); short protein forms T61I, T64I.
Identifiers: ClinVar variation 1741017 (VCV001741017.2), dbSNP rs550200963, ClinGen allele CA8114794.
Genomic context (GRCh38, chr16:67,659,954, plus strand): 5'-GCCTCTCACCAGTCCGAGGTGTCCAGGGCCTCCCGCGTCACCAGGCATCGGACACTGTGG[G>A]TCCCGTCAGACACAAGCAGCGTGGCCCCGACGTCGGACGTATCAGGGGCGTGGGATGGGC-3'
Protein context (NP_001075955.2, residues 54-74): VGATLLVSDG[Thr64Ile]HSVRCLVTRE

ClinVar aggregate classification (germline): Uncertain significance (1 of 4 stars; one submission).

Conditions:
Inborn genetic diseases. Identifiers: MedGen C0950123, MeSH D030342.

Allele frequency attached by ClinVar (database versions not stated): gnomAD exomes below 0.00001; TOPMed below 0.00001; ExAC 0.00001; gnomAD 0.00001; 1000 Genomes Project 30x 0.00016; 1000 Genomes Project 0.00020.
gnomAD v4.1: 3 of 1,608,388 alleles (0.00019%); highest among the groups gnomAD compares: African/African-American, 0.004%; no homozygotes.

Submission:

Ambry Genetics
Classification: Uncertain significance for Inborn genetic diseases. Last evaluated: 2024-01-31. Review status: criteria provided, single submitter. Criteria: Ambry Variant Classification Scheme 2023. Collection method: clinical testing. Allele origin: germline.
Comment: The p.T150I variant (also known as c.449C>T), located in coding exon 2 of the ACD gene, results from a C to T substitution at nucleotide position 449. The threonine at codon 150 is replaced by isoleucine, an amino acid with similar properties. This amino acid position is conserved. In addition, this alteration is predicted to be tolerated by in silico analysis. Since supporting evidence is limited at this time, the clinical significance of this alteration remains unclear.